The following is an entry in ClinVar:

ClinVar aggregate classification (germline): Uncertain significance (1 of 4 stars; one submission).

Allele frequency attached by ClinVar (database versions not stated): gnomAD exomes below 0.00001.
gnomAD v4.1: 1 of 1,611,966 alleles (0.000062%); highest among the groups gnomAD compares: Non-Finnish European, 0.000085%; no homozygotes.

Submission:

Labcorp Genetics (formerly Invitae), Labcorp
Classification: Uncertain significance. Last evaluated: 2023-12-21. Review status: criteria provided, single submitter. Criteria: Invitae Variant Classification Sherloc (09022015). Collection method: clinical testing. Allele origin: germline.
Comment: This sequence change replaces methionine, which is neutral and non-polar, with isoleucine, which is neutral and non-polar, at codon 619 of the ATP6V0A4 protein (p.Met619Ile). This variant is not present in population databases (gnomAD no frequency). This variant has not been reported in the literature in individuals affected with ATP6V0A4-related conditions. ClinVar contains an entry for this variant (Variation ID: 2008818). Advanced modeling of protein sequence and biophysical properties (such as structural, functional, and spatial information, amino acid conservation, physicochemical variation, residue mobility, and thermodynamic stability) performed at Invitae indicates that this missense variant is not expected to disrupt ATP6V0A4 protein function with a negative predictive value of 80%. In summary, the available evidence is currently insufficient to determine the role of this variant in disease. Therefore, it has been classified as a Variant of Uncertain Significance.

NM_020632.3(ATP6V0A4):c.1857G>A (p.Met619Ile)

Gene: ATP6V0A4 (ATPase H+ transporting V0 subunit a4; minus strand). Cytogenetic location: 7q34.
Variant type: single nucleotide variant.
Coding change: c.1857G>A on transcript NM_020632.3 (MANE Select); coding-DNA position 1857, G replaced by A.
Protein change: p.Met619Ile; replaces methionine 619 with isoleucine.
Molecular consequence: missense variant.
Genome position (GRCh38, 1-based): chr7:138,732,928, C>T on the plus strand (G>A on the coding strand, the complement: ATP6V0A4 is on the minus strand). VCF-style: chr7-138732928-C-T. GRCh37 (hg19) VCF-style: chr7-138417673-C-T.
Other names: c.1857G>A, p.Met619Ile (NM_130840.3, NM_130841.3); short protein forms M619I.
Identifiers: ClinVar variation 2008818 (VCV002008818.4), dbSNP rs2485837498, ClinGen allele CA369378857.